The following continues an entry in ClinVar:

NM_024675.4(PALB2):c.2014G>C (p.Glu672Gln)

Gene: PALB2. ClinVar aggregate classification (germline): Benign. Benign (1).

Submissions 19 to 33 of 33:

GeneDx
Classification: Benign. Last evaluated: 2013-10-14. Review status: criteria provided, single submitter. Criteria: GeneDx Variant Classification (06012015). Collection method: clinical testing. Allele origin: germline. Affected: yes. Not counted in ClinVar's aggregate classification.
Comment: This variant is considered likely benign or benign based on one or more of the following criteria: it is a conservative change, it occurs at a poorly conserved position in the protein, it is predicted to be benign by multiple in silico algorithms, and/or has population frequency not consistent with disease.

Breakthrough Genomics
Classification: Likely benign. Review status: criteria provided, single submitter. Criteria: ACMG Guidelines, 2015. Collection method: not provided. Allele origin: germline. Inheritance: Autosomal dominant inheritance. Affected: yes. Not counted in ClinVar's aggregate classification.

PreventionGenetics, part of Exact Sciences
Classification: Benign. Review status: criteria provided, single submitter. Criteria: ACMG Guidelines, 2015. Collection method: clinical testing. Allele origin: germline. Not counted in ClinVar's aggregate classification.

Leiden Open Variation Database
Classification: Benign. Last evaluated: 2019-08-07. Review status: no assertion criteria provided. Collection method: curation. Allele origin: germline. Affected: no. Not counted in ClinVar's aggregate classification.
Comment: Curators: Marc Tischkowitz, Arleen D. Auerbach. Submitters to LOVD: Marc Tischkowitz, Maximiliano Zeballos, Melissa DeRycke.

True Health Diagnostics
Classification: Likely benign for Hereditary cancer-predisposing syndrome. Last evaluated: 2018-02-23. Review status: no assertion criteria provided. Collection method: clinical testing. Allele origin: germline. Not counted in ClinVar's aggregate classification.

Counsyl
Classification: Benign for Familial cancer of breast. Last evaluated: 2016-03-28. Review status: no assertion criteria provided. Collection method: clinical testing. Allele origin: unknown. Not counted in ClinVar's aggregate classification.

Pathway Genomics
Classification: Benign for Breast carcinoma. Last evaluated: 2014-11-06. Review status: no assertion criteria provided. Collection method: clinical testing. Allele origin: germline. Not counted in ClinVar's aggregate classification.

ITMI
No classification provided. Condition: AllHighlyPenetrant. Last evaluated: 2013-09-19. Review status: no classification provided. Collection method: reference population. Allele origin: germline. Not counted in ClinVar's aggregate classification.
Comment: Please see associated publication for description of ethnicities

Center of Medical Genetics and Primary Health Care
Classification: Benign for Breast Cancer. Review status: no assertion criteria provided. Collection method: clinical testing. Allele origin: germline. Affected: yes. Not counted in ClinVar's aggregate classification.

Clinical Genetics Laboratory, Department of Pathology, Netherlands Cancer Institute
Classification: Benign. Review status: no assertion criteria provided. Collection method: clinical testing. Allele origin: germline. Affected: yes. Study: VKGL Data-share Consensus. Not counted in ClinVar's aggregate classification.

Department of Pathology and Laboratory Medicine, Sinai Health System
Classification: Benign for Malignant tumor of breast. Review status: no assertion criteria provided. Collection method: clinical testing. Allele origin: unknown. Affected: yes. Observed: 5 variant alleles. Study: The Canadian Open Genetics Repository (COGR). Not counted in ClinVar's aggregate classification.
Comment: The PALB2 p.Glu672Gln variant was identified in 210 of 6690 proband chromosomes (frequency: 0.03) from individuals or families with breast and/or ovarian cancer (Bogdanova 2011, Rahman 2007, Teo 2013, Adank 2011, Nguyen-Dumont 2013, Kluska 2017). The variant was also identified in ClinVar (10x benign: Invitae, Ambry Genetics, Vantari Genetics, Color Genomics, Prevention Genetics, Counsyl, GeneDx, Pathway Genomics, PALB2 database; 2x likely benign: MacCallum Cancer Genetics, Illumina; 1x not provided: ITMI), MutDB (Mut Prediction score of 0.135 with link to UniProtKB/Swiss-Prot Q86YC2: Variant p.Glu672Gln which classifies this variant as a polymorphism-not reported to be implicated in disease), LOVD 3.0 (21x â€šÃ„Ãºdoes not affect functionâ€šÃ„Ã¹; 3x not classified), Zhejiang University Database (5x "pathogenicity unknown"), databases. The variant was not identified in the COSMIC database. The variant was identified in control databases in 6201 of 277202 chromosomes at a frequency of 0.02 including 104 homozygous individuals increasing the likelihood this could be a low frequency benign variant (Genome Aggregation Consortium Feb 27, 2017). The variant was identified in the following populations at a frequency greater than 1%: Ashkenazi Jewish* in 355 of 10152 chromosomes (freq: 0.035), European (Non-Finnish) in 3698 of 126702 chromosomes (freq: 0.029), Other in 174 of 6466 chromosomes (freq: 0.027), South Asian in 809 of 30782 chromosomes (freq: 0.026), European (Finnish) in 510 of 25782 chromosomes (freq: 0.02), Latino in 531 of 34420 chromosomes (freq: 0.015). The p.Glu672Gln residue is conserved in in mammals but not in more distantly related organisms however computational analyses (PolyPhen-2, SIFT, AlignGVGD, BLOSUM, MutationTaster) do not suggest a high likelihood of impact to the protein; this information is not predictive enough to rule out pathogenicity. The variant occurs outside of the splicing consensus sequence and 1 of 5 in silico or computational prediction software programs (SpliceSiteFinder, MaxEntScan, NNSPLICE, GeneSplicer, HumanSpliceFinder) predict a greater than 10% difference in splicing; this is not very predictive of pathogenicity. In summary, based on the above information this variant meets our laboratory's criteria to be classified as benign.

Diagnostic Laboratory, Department of Genetics, University Medical Center Groningen
Classification: Benign. Review status: no assertion criteria provided. Collection method: clinical testing. Allele origin: germline. Affected: yes. Study: VKGL Data-share Consensus. Not counted in ClinVar's aggregate classification.

Genome Diagnostics Laboratory, Amsterdam University Medical Center
Classification: Benign. Review status: no assertion criteria provided. Collection method: clinical testing. Allele origin: germline. Affected: yes. Study: VKGL Data-share Consensus. Not counted in ClinVar's aggregate classification.

Joint Genome Diagnostic Labs from Nijmegen and Maastricht, Radboudumc and MUMC+
Classification: Benign. Review status: no assertion criteria provided. Collection method: clinical testing. Allele origin: germline. Affected: yes. Study: VKGL Data-share Consensus. Not counted in ClinVar's aggregate classification.

Laboratory of Diagnostic Genome Analysis, Leiden University Medical Center (LUMC)
Classification: Likely benign. Review status: no assertion criteria provided. Collection method: clinical testing. Allele origin: germline. Affected: yes. Study: VKGL Data-share Consensus. Not counted in ClinVar's aggregate classification.

Literature cited by the submitters: PubMed 17200668 (cited by Leiden Open Variation Database and Pathway Genomics); PubMed 18288683 (cited by Leiden Open Variation Database); PubMed 18302019 (cited by Leiden Open Variation Database); PubMed 19333784 (cited by Leiden Open Variation Database); PubMed 20122277 (cited by Leiden Open Variation Database); PubMed 20927582 (cited by Leiden Open Variation Database); PubMed 21165770 (cited by Leiden Open Variation Database); PubMed 21365267 (cited by Leiden Open Variation Database); PubMed 21409391 (cited by Leiden Open Variation Database); PubMed 21618343 (cited by Leiden Open Variation Database and Pathway Genomics); PubMed 21932393 (cited by Leiden Open Variation Database); PubMed 22052327 (cited by Leiden Open Variation Database); PubMed 22241545 (cited by Leiden Open Variation Database); PubMed 22310028 (cited by Leiden Open Variation Database); PubMed 22692731 (cited by Leiden Open Variation Database); PubMed 23448497 (cited by Leiden Open Variation Database); PubMed 23824750 (cited by Leiden Open Variation Database); PubMed 23935836 (cited by Leiden Open Variation Database); PubMed 24206657 (cited by Leiden Open Variation Database); PubMed 24556926 (cited by Leiden Open Variation Database); PubMed 24949998 (cited by Leiden Open Variation Database); PubMed 20180015 (cited by Pathway Genomics); PubMed 24728327 (cited by ITMI).